The following is an entry in ClinVar:

ClinVar aggregate classification (germline): Likely benign (0 of 4 stars; one submission).

Conditions:
KIDINS220-related disorder. Also called: KIDINS220-related condition.

Submission:

PreventionGenetics, part of Exact Sciences
Classification: Likely benign for KIDINS220-related condition. Last evaluated: 2024-06-06. Review status: no assertion criteria provided. Collection method: clinical testing. Allele origin: germline.
Comment: This variant is classified as likely benign based on ACMG/AMP sequence variant interpretation guidelines (Richards et al. 2015 PMID: 25741868, with internal and published modifications).

NM_020738.4(KIDINS220):c.2232T>C (p.Val744=)

Gene: KIDINS220 (kinase D interacting substrate 220; minus strand). Cytogenetic location: 2p25.1.
Variant type: single nucleotide variant.
Coding change: c.2232T>C on transcript NM_020738.4 (MANE Select); coding-DNA position 2232, T replaced by C.
Protein change: p.Val744=; no amino-acid change (valine 744 retained).
Molecular consequence: synonymous variant. On other transcripts: non-coding transcript variant (2).
Genome position (GRCh38, 1-based): chr2:8,779,812, A>G on the plus strand (T>C on the coding strand, the complement: KIDINS220 is on the minus strand). VCF-style: chr2-8779812-A-G. GRCh37 (hg19) VCF-style: chr2-8919942-A-G.
Other names: c.2235T>C, p.Val745= (NM_001348729.2, NM_001348731.2, NM_001348734.2 and 3 more transcripts); c.2232T>C, p.Val744= (NM_001348732.2, NM_001348735.2, NM_001348738.2 and 3 more transcripts); c.2106T>C, p.Val702= (NM_001348736.2).
Identifiers: ClinVar variation 3344695 (VCV003344695.1).